The following is an entry in ClinVar:

NM_024996.7(GFM1):c.1484G>C (p.Gly495Ala)

Gene: GFM1 (G elongation factor mitochondrial 1; plus strand). Cytogenetic location: 3q25.32.
Variant type: single nucleotide variant.
Coding change: c.1484G>C on transcript NM_024996.7 (MANE Select); coding-DNA position 1484, G replaced by C.
Protein change: p.Gly495Ala; replaces glycine 495 with alanine.
Molecular consequence: missense variant. On other transcripts: non-coding transcript variant (4).
Genome position (GRCh38, 1-based): chr3:158,665,440, G>C. VCF-style: chr3-158665440-G-C. GRCh37 (hg19) VCF-style: chr3-158383229-G-C.
Other names: c.1541G>C, p.Gly514Ala (NM_001308164.2); c.1484G>C, p.Gly495Ala (NM_001308166.2); c.1403G>C, p.Gly468Ala (NM_001374355.1); c.1367G>C, p.Gly456Ala (NM_001374356.1); c.1259G>C, p.Gly420Ala (NM_001374357.1); c.1025G>C, p.Gly342Ala (NM_001374358.1); c.917G>C, p.Gly306Ala (NM_001374359.1, NM_001374360.1); c.800G>C, p.Gly267Ala (NM_001374361.1); short protein forms G267A, G306A, G342A, G420A, G456A, G468A, G495A, G514A.
Identifiers: ClinVar variation 1714402 (VCV001714402.5), dbSNP rs2474007412, ClinGen allele CA355178393.

ClinVar aggregate classification (germline): Uncertain significance (1 of 4 stars; one submission).

Submission:

Labcorp Genetics (formerly Invitae), Labcorp
Classification: Uncertain significance. Last evaluated: 2023-07-10. Review status: criteria provided, single submitter. Criteria: Invitae Variant Classification Sherloc (09022015). Collection method: clinical testing. Allele origin: germline.
Comment: In summary, the available evidence is currently insufficient to determine the role of this variant in disease. Therefore, it has been classified as a Variant of Uncertain Significance. Advanced modeling of protein sequence and biophysical properties (such as structural, functional, and spatial information, amino acid conservation, physicochemical variation, residue mobility, and thermodynamic stability) has been performed at Invitae for this missense variant, however the output from this modeling did not meet the statistical confidence thresholds required to predict the impact of this variant on GFM1 protein function. ClinVar contains an entry for this variant (Variation ID: 1714402). This variant has not been reported in the literature in individuals affected with GFM1-related conditions. This variant is not present in population databases (gnomAD no frequency). This sequence change replaces glycine, which is neutral and non-polar, with alanine, which is neutral and non-polar, at codon 495 of the GFM1 protein (p.Gly495Ala).